The following is an entry in ClinVar:

ClinVar aggregate classification (germline): Uncertain significance (1 of 4 stars; one submission).

Submission:

Labcorp Genetics (formerly Invitae), Labcorp
Classification: Uncertain significance. Last evaluated: 2024-02-16. Review status: criteria provided, single submitter. Criteria: Invitae Variant Classification Sherloc (09022015). Collection method: clinical testing. Allele origin: germline.
Comment: This sequence change replaces cysteine, which is neutral and slightly polar, with phenylalanine, which is neutral and non-polar, at codon 828 of the C2CD3 protein (p.Cys828Phe). This variant is not present in population databases (gnomAD no frequency). This variant has not been reported in the literature in individuals affected with C2CD3-related conditions. ClinVar contains an entry for this variant (Variation ID: 1489376). Advanced modeling of protein sequence and biophysical properties (such as structural, functional, and spatial information, amino acid conservation, physicochemical variation, residue mobility, and thermodynamic stability) performed at Invitae indicates that this missense variant is expected to disrupt C2CD3 protein function with a positive predictive value of 80%. In summary, the available evidence is currently insufficient to determine the role of this variant in disease. Therefore, it has been classified as a Variant of Uncertain Significance.

NM_001286577.2(C2CD3):c.2483G>T (p.Cys828Phe)

Gene: C2CD3 (C2 domain containing 3 centriole elongation regulator; minus strand). Cytogenetic location: 11q13.4.
Variant type: single nucleotide variant.
Coding change: c.2483G>T on transcript NM_001286577.2 (MANE Select); coding-DNA position 2483, G replaced by T.
Protein change: p.Cys828Phe; replaces cysteine 828 with phenylalanine.
Molecular consequence: missense variant.
Genome position (GRCh38, 1-based): chr11:74,103,228, C>A on the plus strand (G>T on the coding strand, the complement: C2CD3 is on the minus strand). VCF-style: chr11-74103228-C-A. GRCh37 (hg19) VCF-style: chr11-73814273-C-A.
Other names: c.2483G>T, p.Cys828Phe (NM_015531.6); short protein forms C828F.
Identifiers: ClinVar variation 1489376 (VCV001489376.6), dbSNP rs746652473, ClinGen allele CA381832416.